The following is an entry in ClinVar:

ClinVar aggregate classification (germline): Uncertain significance. Review status: criteria provided, multiple submitters, no conflicts (2 of 4 stars). 5 submissions from 5 submitters: Uncertain significance (5). Last evaluated 2025-12-02.

Conditions:
Inborn genetic diseases. Identifiers: MedGen C0950123, MeSH D030342.
Developmental and epileptic encephalopathy, 18 (DEE18). Also called: Early infantile epileptic encephalopathy 18. Identifiers: Orphanet 369894, MedGen C3809624, MONDO:0014201, OMIM 615476.

Allele frequency attached by ClinVar (database versions not stated): TOPMed 0.00008; gnomAD 0.00011 and 0.00012; ExAC 0.00015; 1000 Genomes Project 30x 0.00016; 1000 Genomes Project 0.00020; ESP Exome Variant Server 0.00038.

Submissions (5):

GeneDx
Classification: Uncertain significance. Last evaluated: 2025-12-02. Review status: criteria provided, single submitter. Criteria: GeneDx Variant Classification Process June 2021. Collection method: clinical testing. Allele origin: germline. Affected: yes.
Comment: Reported with a second SZT2 variant on the opposite allele (in trans) in a patient with developmental delay, hypotonia, and encephalopathy in published literature (PMID: 35773235); In silico analysis suggests that this missense variant does not alter protein structure/function; This variant is associated with the following publications: (PMID: 35773235)

Ambry Genetics
Classification: Uncertain significance for Inborn genetic diseases. Last evaluated: 2025-07-16. Review status: criteria provided, single submitter. Criteria: Ambry Variant Classification Scheme 2023. Collection method: clinical testing. Allele origin: germline.

Labcorp Genetics (formerly Invitae), Labcorp
Classification: Uncertain significance. Last evaluated: 2024-12-12. Review status: criteria provided, single submitter. Criteria: Invitae Variant Classification Sherloc (09022015). Collection method: clinical testing. Allele origin: germline.
Comment: This sequence change replaces arginine, which is basic and polar, with histidine, which is basic and polar, at codon 1347 of the SZT2 protein (p.Arg1347His). This variant is present in population databases (rs149353601, gnomAD 0.03%). This variant has not been reported in the literature in individuals affected with SZT2-related conditions. ClinVar contains an entry for this variant (Variation ID: 651014). Invitae Evidence Modeling of protein sequence and biophysical properties (such as structural, functional, and spatial information, amino acid conservation, physicochemical variation, residue mobility, and thermodynamic stability) indicates that this missense variant is not expected to disrupt SZT2 protein function with a negative predictive value of 80%. In summary, the available evidence is currently insufficient to determine the role of this variant in disease. Therefore, it has been classified as a Variant of Uncertain Significance.

Blueprint Genetics
Classification: Uncertain significance. Last evaluated: 2024-01-19. Review status: criteria provided, single submitter. Criteria: ACMG Guidelines, 2015. Collection method: clinical testing. Allele origin: germline.

Genome-Nilou Lab
Classification: Uncertain significance for Developmental and epileptic encephalopathy, 18. Last evaluated: 2023-04-11. Review status: criteria provided, single submitter. Criteria: ACMG Guidelines, 2015. Collection method: clinical testing. Allele origin: germline. Affected: no.

NM_001365999.1(SZT2):c.4211G>A (p.Arg1404His)

Gene: SZT2 (SZT2 subunit of KICSTOR complex; plus strand). Cytogenetic location: 1p34.2.
Variant type: single nucleotide variant.
Coding change: c.4211G>A on transcript NM_001365999.1 (MANE Select); coding-DNA position 4211, G replaced by A.
Protein change: p.Arg1404His; replaces arginine 1404 with histidine.
Molecular consequence: missense variant.
Genome position (GRCh38, 1-based): chr1:43,429,747, G>A. VCF-style: chr1-43429747-G-A. GRCh37 (hg19) VCF-style: chr1-43895418-G-A.
Other names: c.4040G>A, p.Arg1347His (NM_015284.4); short protein forms R1347H, R1404H.
Identifiers: ClinVar variation 651014 (VCV000651014.17), dbSNP rs149353601, ClinGen allele CA809219.